The following is an entry in ClinVar:

NM_006231.4(POLE):c.2732A>C (p.Gln911Pro)

Gene: POLE (DNA polymerase epsilon, catalytic subunit; minus strand). Cytogenetic location: 12q24.33.
Variant type: single nucleotide variant.
Coding change: c.2732A>C on transcript NM_006231.4 (MANE Select); coding-DNA position 2732, A replaced by C.
Protein change: p.Gln911Pro; replaces glutamine 911 with proline.
Molecular consequence: missense variant.
Genome position (GRCh38, 1-based): chr12:132,661,659, T>G on the plus strand (A>C on the coding strand, the complement: POLE is on the minus strand). VCF-style: chr12-132661659-T-G. GRCh37 (hg19) VCF-style: chr12-133238245-T-G.
Other names: short protein forms Q911P.
Identifiers: ClinVar variation 641650 (VCV000641650.12), dbSNP rs1348033236, ClinGen allele CA387393989.

ClinVar aggregate classification (germline): Uncertain significance. Review status: criteria provided, multiple submitters, no conflicts (2 of 4 stars). 2 submissions from 2 submitters: Uncertain significance (2). Last evaluated 2025-07-10.

Conditions:
Hereditary cancer-predisposing syndrome. Also called: Neoplastic Syndromes, Hereditary; Tumor predisposition; Hereditary neoplastic syndrome; Hereditary Cancer Syndrome. Identifiers: Orphanet 140162, MedGen C0027672, MeSH D009386, MONDO:0015356.

Submissions (2):

Ambry Genetics
Classification: Uncertain significance for Hereditary cancer-predisposing syndrome. Last evaluated: 2025-07-10. Review status: criteria provided, single submitter. Criteria: Ambry Variant Classification Scheme 2023. Collection method: clinical testing. Allele origin: germline.
Comment: The p.Q911P variant (also known as c.2732A>C), located in coding exon 24 of the POLE gene, results from an A to C substitution at nucleotide position 2732. The glutamine at codon 911 is replaced by proline, an amino acid with similar properties. This amino acid position is conserved. In addition, this alteration is predicted to be tolerated by in silico analysis. Since supporting evidence is limited at this time, the clinical significance of this alteration remains unclear.

Labcorp Genetics (formerly Invitae), Labcorp
Classification: Uncertain significance. Last evaluated: 2018-08-24. Review status: criteria provided, single submitter. Criteria: Invitae Variant Classification Sherloc (09022015). Collection method: clinical testing. Allele origin: germline.
Comment: This variant is not present in population databases (ExAC no frequency). This sequence change replaces glutamine with proline at codon 911 of the POLE protein (p.Gln911Pro). The glutamine residue is moderately conserved and there is a moderate physicochemical difference between glutamine and proline. This variant has not been reported in the literature in individuals with POLE-related disease. In summary, the available evidence is currently insufficient to determine the role of this variant in disease. Therefore, it has been classified as a Variant of Uncertain Significance. Algorithms developed to predict the effect of missense changes on protein structure and function (SIFT, PolyPhen-2, Align-GVGD) all suggest that this variant is likely to be disruptive, but these predictions have not been confirmed by published functional studies and their clinical significance is uncertain.